The following is an entry in ClinVar:

NM_001036.6(RYR3):c.3547A>G (p.Ile1183Val)

Gene: RYR3 (ryanodine receptor 3; plus strand). Cytogenetic location: 15q14.
Variant type: single nucleotide variant.
Coding change: c.3547A>G on transcript NM_001036.6 (MANE Select); coding-DNA position 3547, A replaced by G.
Protein change: p.Ile1183Val; replaces isoleucine 1183 with valine.
Molecular consequence: missense variant.
Genome position (GRCh38, 1-based): chr15:33,636,541, A>G. VCF-style: chr15-33636541-A-G. GRCh37 (hg19) VCF-style: chr15-33928742-A-G.
Other names: c.3547A>G, p.Ile1183Val (NM_001243996.4); short protein forms I1183V.
Identifiers: ClinVar variation 1014415 (VCV001014415.8), dbSNP rs2061507973, ClinGen allele CA391575880.
Genomic context (GRCh38, chr15:33,636,541, plus strand): 5'-CTGAATGGGGAGCTGCTGATCACCAACAAAGGCTCTGAACTTGCCTTCGCTGACTACGAG[A>G]TTGAGAATGGTAAATCTAACACCCTCTGCCAACCCCAGCTCCATGAGGCTGGAGGAAAAT-3'
Protein context (NP_001027.3, residues 1173-1193): GSELAFADYE[Ile1183Val]ENGFVPICCL

ClinVar aggregate classification (germline): Uncertain significance (1 of 4 stars; one submission).

Conditions:
Epileptic encephalopathy. Identifiers: MedGen C0543888, HP:0200134.

Submission:

Labcorp Genetics (formerly Invitae), Labcorp
Classification: Uncertain significance for Epileptic encephalopathy. Last evaluated: 2020-09-24. Review status: criteria provided, single submitter. Criteria: Invitae Variant Classification Sherloc (09022015). Collection method: clinical testing. Allele origin: germline.
Comment: This sequence change replaces isoleucine with valine at codon 1183 of the RYR3 protein (p.Ile1183Val). The isoleucine residue is highly conserved and there is a small physicochemical difference between isoleucine and valine. This variant is not present in population databases (ExAC no frequency). This variant has not been reported in the literature in individuals with RYR3-related conditions. Algorithms developed to predict the effect of missense changes on protein structure and function (SIFT, PolyPhen-2, Align-GVGD) all suggest that this variant is likely to be tolerated, but these predictions have not been confirmed by published functional studies and their clinical significance is uncertain. In summary, the available evidence is currently insufficient to determine the role of this variant in disease. Therefore, it has been classified as a Variant of Uncertain Significance.